The following is an entry in ClinVar:

ClinVar aggregate classification (germline): Conflicting classifications of pathogenicity. Review status: criteria provided, conflicting classifications (1 of 4 stars). 3 submissions from 3 submitters: Likely pathogenic (1); Uncertain significance (1). 1 of the submissions does not count toward it. Last evaluated 2024-06-07.

Conditions:
Congenital disorder of glycosylation (CDG). Also called: Carbohydrate-deficient glycoprotein syndrome; Congenital disorders of glycosylation. Identifiers: Orphanet 137, MedGen C0282577, MONDO:0015286.
ALG1-congenital disorder of glycosylation. Also called: CONGENITAL DISORDER OF GLYCOSYLATION, TYPE Ik; CDG Ik; ALG1-CDG. Identifiers: Orphanet 79327, MedGen C2931005, MONDO:0012052, OMIM 608540.

Allele frequency attached by ClinVar (database versions not stated): TOPMed 0.00001.

Submissions (3):

Fulgent Genetics
Classification: Likely pathogenic for ALG1-congenital disorder of glycosylation. Last evaluated: 2024-06-07. Review status: criteria provided, single submitter. Criteria: ACMG Guidelines, 2015. Collection method: clinical testing. Allele origin: germline.

Labcorp Genetics (formerly Invitae), Labcorp
Classification: Uncertain significance for ALG1-congenital disorder of glycosylation. Last evaluated: 2021-08-23. Review status: criteria provided, single submitter. Criteria: Invitae Variant Classification Sherloc (09022015). Collection method: clinical testing. Allele origin: germline.
Comment: This sequence change replaces tyrosine with aspartic acid at codon 353 of the ALG1 protein (p.Tyr353Asp). The tyrosine residue is highly conserved and there is a large physicochemical difference between tyrosine and aspartic acid. This variant is not present in population databases (ExAC no frequency). This missense change has been observed in individual(s) with clinical features of ALG1-congenital disorder of glycosylation (PMID: 26931382). ClinVar contains an entry for this variant (Variation ID: 690330). Advanced modeling of protein sequence and biophysical properties (such as structural, functional, and spatial information, amino acid conservation, physicochemical variation, residue mobility, and thermodynamic stability) performed at Invitae indicates that this missense variant is expected to disrupt ALG1 protein function. In summary, the available evidence is currently insufficient to determine the role of this variant in disease. Therefore, it has been classified as a Variant of Uncertain Significance.

University of Washington Center for Mendelian Genomics, University of Washington
Classification: Likely pathogenic for Congenital disorder of glycosylation. Last evaluated: 2017-05-25. Review status: no assertion criteria provided. Collection method: research. Allele origin: unknown. Affected: yes. Not counted in ClinVar's aggregate classification.

Literature cited by the submitters: PubMed 26931382 (cited by Labcorp Genetics (formerly Invitae), Labcorp and University of Washington Center for Mendelian Genomics, University of Washington).

NM_019109.5(ALG1):c.1057T>G (p.Tyr353Asp)

Gene: ALG1 (ALG1 chitobiosyldiphosphodolichol beta-mannosyltransferase; plus strand). Cytogenetic location: 16p13.3.
Variant type: single nucleotide variant.
Coding change: c.1057T>G on transcript NM_019109.5 (MANE Select); coding-DNA position 1057, T replaced by G.
Protein change: p.Tyr353Asp; replaces tyrosine 353 with aspartic acid.
Molecular consequence: missense variant.
Genome position (GRCh38, 1-based): chr16:5,081,041, T>G. VCF-style: chr16-5081041-T-G. GRCh37 (hg19) VCF-style: chr16-5131042-T-G.
Other names: c.724T>G, p.Tyr242Asp (NM_001330504.2); short protein forms Y242D, Y353D.
Identifiers: ClinVar variation 690330 (VCV000690330.5), dbSNP rs1596259672, ClinGen allele CA394673107.